The following is an entry in ClinVar:

ClinVar aggregate classification (germline): Uncertain significance. Review status: criteria provided, multiple submitters, no conflicts (2 of 4 stars). 4 submissions from 4 submitters: Uncertain significance (4). Last evaluated 2026-02-12.

Conditions:
Retinitis pigmentosa 80 (RP80). Identifiers: MedGen C4540439, MONDO:0054708, OMIM 617781.
Saldino-Mainzer syndrome (SRTD9). Also called: SHORT-RIB THORACIC DYSPLASIA 9 WITHOUT POLYDACTYLY; short-rib thoracic dysplasia 9 with or without polydactyly; CONORENAL SYNDROME; Renal dysplasia, retinal pigmentary dystrophy, cerebellar ataxia and skeletal dysplasia. Identifiers: Orphanet 140969, MedGen C1849437, MONDO:0009964, OMIM 266920.
IFT140-related disorder. Also called: IFT140-related condition.
Inborn genetic diseases. Identifiers: MedGen C0950123, MeSH D030342.

Allele frequency attached by ClinVar (database versions not stated): TOPMed below 0.00001; gnomAD 0.00001; gnomAD exomes 0.00004; ExAC 0.00005.
gnomAD v4.1: 27 of 1,579,294 alleles (0.0017%); highest among the groups gnomAD compares: Admixed American, 0.0089%; no homozygotes.

Submissions (4):

PreventionGenetics, part of Exact Sciences
Classification: Uncertain significance for IFT140-related condition. Last evaluated: 2026-02-12. Review status: criteria provided, single submitter. Criteria: ACMG Guidelines, 2015. Collection method: clinical testing. Allele origin: germline.
Comment: The IFT140 c.2545G>A variant is predicted to result in the amino acid substitution p.Val849Met. To our knowledge, this variant has not been reported in the literature. This variant is reported in 0.011% of alleles in individuals of Ashkenazi Jewish descent in gnomAD. At this time, the clinical significance of this variant is uncertain due to the absence of conclusive functional and genetic evidence.

Labcorp Genetics (formerly Invitae), Labcorp
Classification: Uncertain significance for Saldino-Mainzer syndrome. Last evaluated: 2025-12-06. Review status: criteria provided, single submitter. Criteria: Invitae Variant Classification Sherloc (09022015). Collection method: clinical testing. Allele origin: germline.
Comment: This sequence change replaces valine, which is neutral and non-polar, with methionine, which is neutral and non-polar, at codon 849 of the IFT140 protein (p.Val849Met). The frequency data for this variant in the population databases is considered unreliable, as metrics indicate poor data quality at this position in the gnomAD database. This variant has not been reported in the literature in individuals affected with IFT140-related conditions. ClinVar contains an entry for this variant (Variation ID: 965000). Invitae Evidence Modeling of protein sequence and biophysical properties (such as structural, functional, and spatial information, amino acid conservation, physicochemical variation, residue mobility, and thermodynamic stability) has been performed for this missense variant. However, the output from this modeling did not meet the statistical confidence thresholds required to predict the impact of this variant on IFT140 protein function. In summary, the available evidence is currently insufficient to determine the role of this variant in disease. Therefore, it has been classified as a Variant of Uncertain Significance.

Ambry Genetics
Classification: Uncertain significance for Inborn genetic diseases. Last evaluated: 2025-05-23. Review status: criteria provided, single submitter. Criteria: Ambry Variant Classification Scheme 2023. Collection method: clinical testing. Allele origin: germline.

Fulgent Genetics
Classification: Uncertain significance for Saldino-Mainzer syndrome; Retinitis pigmentosa 80. Last evaluated: 2021-08-20. Review status: criteria provided, single submitter. Criteria: ACMG Guidelines, 2015. Collection method: clinical testing. Allele origin: unknown.

NM_014714.4(IFT140):c.2545G>A (p.Val849Met)

Gene: IFT140 (intraflagellar transport 140; minus strand). Cytogenetic location: 16p13.3.
Variant type: single nucleotide variant.
Coding change: c.2545G>A on transcript NM_014714.4 (MANE Select); coding-DNA position 2545, G replaced by A.
Protein change: p.Val849Met; replaces valine 849 with methionine.
Molecular consequence: missense variant.
Genome position (GRCh38, 1-based): chr16:1,526,651, C>T on the plus strand (G>A on the coding strand, the complement: IFT140 is on the minus strand). VCF-style: chr16-1526651-C-T. GRCh37 (hg19) VCF-style: chr16-1576652-C-T.
Other names: short protein forms V849M.
Identifiers: ClinVar variation 965000 (VCV000965000.11), dbSNP rs771662799, ClinGen allele CA7813590.
Genomic context (GRCh38, chr16:1,526,651, plus strand): 5'-CACCCACCCCATGGCGGGCGCCCCTCACCAGCATGCCCAGCTGCGTGGCCAGCACGGCCA[C>T]GCGGGCCTCTAGCTCCGGCTCCTGCTCCGCCTCACGCAGCGCTCGGGCCCCGCGGGCATG-3'
Protein context (NP_055529.2, residues 839-859): AEQEPELEAR[Val849Met]AVLATQLGML